The following is an entry in ClinVar:

ClinVar aggregate classification (germline): Uncertain significance (1 of 4 stars; one submission).

Conditions:
Progressive myoclonic epilepsy type 7. Identifiers: Orphanet 435438, MedGen C4015420, MONDO:0014521, OMIM 616187.

Allele frequency attached by ClinVar (database versions not stated): gnomAD 0.00001.
gnomAD v4.1: 6 of 1,613,618 alleles (0.00037%); highest among the groups gnomAD compares: Non-Finnish European, 0.00042%; no homozygotes.

Submission:

Labcorp Genetics (formerly Invitae), Labcorp
Classification: Uncertain significance for Progressive myoclonic epilepsy type 7. Last evaluated: 2022-08-23. Review status: criteria provided, single submitter. Criteria: Invitae Variant Classification Sherloc (09022015). Collection method: clinical testing. Allele origin: germline.
Comment: This sequence change replaces arginine, which is basic and polar, with serine, which is neutral and polar, at codon 214 of the KCNC1 protein (p.Arg214Ser). This variant is present in population databases (no rsID available, gnomAD 0.0009%). This variant has not been reported in the literature in individuals affected with KCNC1-related conditions. Advanced modeling of protein sequence and biophysical properties (such as structural, functional, and spatial information, amino acid conservation, physicochemical variation, residue mobility, and thermodynamic stability) performed at Invitae indicates that this missense variant is not expected to disrupt KCNC1 protein function. In summary, the available evidence is currently insufficient to determine the role of this variant in disease. Therefore, it has been classified as a Variant of Uncertain Significance.

NM_001112741.2(KCNC1):c.640C>A (p.Arg214Ser)

Gene: KCNC1 (potassium voltage-gated channel subfamily C member 1; plus strand). Cytogenetic location: 11p15.1.
Variant type: single nucleotide variant.
Coding change: c.640C>A on transcript NM_001112741.2 (MANE Select); coding-DNA position 640, C replaced by A.
Protein change: p.Arg214Ser; replaces arginine 214 with serine.
Molecular consequence: missense variant.
Genome position (GRCh38, 1-based): chr11:17,771,734, C>A. VCF-style: chr11-17771734-C-A. GRCh37 (hg19) VCF-style: chr11-17793281-C-A.
Other names: c.640C>A, p.Arg214Ser (NM_004976.4); short protein forms R214S.
Identifiers: ClinVar variation 2185213 (VCV002185213.4), dbSNP rs772042572, ClinGen allele CA379805700.